The following is an entry in ClinVar:

ClinVar aggregate classification (germline): Likely pathogenic (1 of 4 stars; one submission).

Conditions:
Alport syndrome. Also called: Hemorrhagic familial nephritis; Hemorrhagic hereditary nephritis; Congenital hereditary hematuria. Identifiers: Orphanet 63, MedGen C1567741, MONDO:0018965.

gnomAD v4.1: 1 of 1,612,742 alleles (0.000062%); no homozygotes.

Submission:

Natera, Inc.
Classification: Likely pathogenic for Alport syndrome. Last evaluated: 2025-08-26. Review status: criteria provided, single submitter. Criteria: Natera Variant Classification Schema (03/2026). Collection method: clinical testing. Allele origin: germline.
Comment: The c.980G>A variant in COL4A3 is a missense variant predicted to cause substitution of glycine to aspartic acid at amino acid 327. This variant is rare in the general population with a frequency below the threshold expected for the associated phenotype(s). This variant is located in a functionally critical region of the protein. Computational prediction algorithms indicate this variant is likely to affect gene or protein function. Given the available evidence, this variant is classified as Likely Pathogenic.

NM_000091.5(COL4A3):c.980G>A (p.Gly327Asp)

Genes: COL4A3 (collagen type IV alpha 3 chain; plus strand), MFF-DT (MFF divergent transcript; minus strand). Cytogenetic location: 2q36.3.
Variant type: single nucleotide variant.
Coding change: c.980G>A on transcript NM_000091.5 (MANE Select); coding-DNA position 980, G replaced by A.
Protein change: p.Gly327Asp; replaces glycine 327 with aspartic acid.
Molecular consequence: missense variant.
Genome position (GRCh38, 1-based): chr2:227,256,389, G>A. VCF-style: chr2-227256389-G-A. GRCh37 (hg19) VCF-style: chr2-228121105-G-A.
Other names: short protein forms G327D.
Identifiers: ClinVar variation 4817282 (VCV004817282.1).
Genomic context (GRCh38, chr2:227,256,389, plus strand): 5'-GTTCTTTTCTTTAGGGAGTCAAGGGCAACAGGGGTTTCCCTGGGTTAATGGGTGAAGATG[G>A]CATTAAGGTAATCCTCTCCCTAATAGCCTATTTTAATAGGTTGGGTTTTGCCTGTGCTTT-3'
Protein context (NP_000082.2, residues 317-337): RGFPGLMGED[Gly327Asp]IKGQKGDIGP